The following is an entry in ClinVar:

ClinVar aggregate classification (germline): Benign (1 of 4 stars; one submission).

Allele frequency attached by ClinVar (database versions not stated): gnomAD 0.00029 and 0.00030; TOPMed 0.00031.

Submission:

GeneDx
Classification: Benign. Last evaluated: 2014-02-24. Review status: criteria provided, single submitter. Criteria: GeneDx Variant Classification (06012015). Collection method: clinical testing. Allele origin: germline. Affected: yes.
Comment: This variant is considered likely benign or benign based on one or more of the following criteria: it is a conservative change, it occurs at a poorly conserved position in the protein, it is predicted to be benign by multiple in silico algorithms, and/or has population frequency not consistent with disease.

NM_144573.4(NEXN):c.-58T>C

Genes: NEXN-AS1 (NEXN antisense RNA 1; minus strand), NEXN (nexilin F-actin binding protein; plus strand). Cytogenetic location: 1p31.1.
Variant type: single nucleotide variant.
Coding change: c.-58T>C on transcript NM_144573.4 (MANE Select); 58 bases upstream of the start codon, T replaced by C.
Molecular consequence: 5 prime UTR variant. On other transcripts: non-coding transcript variant (1).
Genome position (GRCh38, 1-based): chr1:77,888,754, T>C. VCF-style: chr1-77888754-T-C. GRCh37 (hg19) VCF-style: chr1-78354439-T-C.
Other names: c.-58T>C (NM_001172309.2).
Identifiers: ClinVar variation 138513 (VCV000138513.1), dbSNP rs587781100, ClinGen allele CA292528.